The following is an entry in ClinVar:

NM_001080414.4(CCDC88C):c.625-8G>A

Gene: CCDC88C (coiled-coil domain containing 88C; minus strand). Cytogenetic location: 14q32.11.
Variant type: single nucleotide variant.
Coding change: c.625-8G>A on transcript NM_001080414.4 (MANE Select); 8 bases into the intron before coding-DNA position 625, G replaced by A.
Molecular consequence: intron variant.
Genome position (GRCh38, 1-based): chr14:91,339,470, C>T on the plus strand (G>A on the coding strand, the complement: CCDC88C is on the minus strand). VCF-style: chr14-91339470-C-T. GRCh37 (hg19) VCF-style: chr14-91805814-C-T.
Identifiers: ClinVar variation 3336100 (VCV003336100.1).

ClinVar aggregate classification (germline): Uncertain significance (1 of 4 stars; one submission).

gnomAD v4.1: 22 of 1,599,346 alleles (0.0014%); highest among the groups gnomAD compares: African/African-American, 0.023%; no homozygotes.

Submission:

Women's Health and Genetics/Laboratory Corporation of America, LabCorp
Classification: Uncertain significance. Last evaluated: 2024-05-08. Review status: criteria provided, single submitter. Criteria: LabCorp Variant Classification Summary - May 2015. Collection method: clinical testing. Allele origin: germline.
Comment: Variant summary: CCDC88C c.625-8G>A alters a non-conserved nucleotide located close to a canonical splice site and therefore could affect mRNA splicing, leading to a significantly altered protein sequence. Several computational tools predict a significant impact on normal splicing: One predict the variant abolishes a 3' acceptor site. Three predict the variant weakens a 3' acceptor site. Four predict the variant creates a 3' acceptor site. However, these predictions have yet to be confirmed by functional studies. The variant allele was found at a frequency of 1.7e-05 in 237528 control chromosomes. The available data on variant occurrences in the general population are insufficient to allow any conclusion about variant significance. To our knowledge, no occurrence of c.625-8G>A in individuals affected with CCDC88C-Related Disorders and no experimental evidence demonstrating its impact on protein function have been reported. No submitters have cited clinical-significance assessments for this variant to ClinVar. Based on the evidence outlined above, the variant was classified as uncertain significance.